The following is an entry in ClinVar:

NM_003632.3(CNTNAP1):c.3853C>G (p.Leu1285Val)

Gene: CNTNAP1 (contactin associated protein 1; plus strand). Cytogenetic location: 17q21.2.
Variant type: single nucleotide variant.
Coding change: c.3853C>G on transcript NM_003632.3 (MANE Select); coding-DNA position 3853, C replaced by G.
Protein change: p.Leu1285Val; replaces leucine 1285 with valine.
Molecular consequence: missense variant.
Genome position (GRCh38, 1-based): chr17:42,697,941, C>G. VCF-style: chr17-42697941-C-G. GRCh37 (hg19) VCF-style: chr17-40849959-C-G.
Other names: short protein forms L1285V.
Identifiers: ClinVar variation 1810515 (VCV001810515.2), dbSNP rs760506538, ClinGen allele CA8582468.

ClinVar aggregate classification (germline): Uncertain significance. Review status: criteria provided, multiple submitters, no conflicts (2 of 4 stars). 2 submissions from 2 submitters: Uncertain significance (2). Last evaluated 2025-09-22.

Conditions:
Inborn genetic diseases. Identifiers: MedGen C0950123, MeSH D030342.

Allele frequency attached by ClinVar (database versions not stated): gnomAD exomes below 0.00001; gnomAD 0.00001.
gnomAD v4.1: 8 of 1,614,044 alleles (0.0005%); highest among the groups gnomAD compares: Non-Finnish European, 0.00059%; no homozygotes.

Submissions (2):

Ambry Genetics
Classification: Uncertain significance for Inborn genetic diseases. Last evaluated: 2025-09-22. Review status: criteria provided, single submitter. Criteria: Ambry Variant Classification Scheme 2023. Collection method: clinical testing. Allele origin: germline.

GeneDx
Classification: Uncertain significance. Last evaluated: 2022-07-05. Review status: criteria provided, single submitter. Criteria: GeneDx Variant Classification Process June 2021. Collection method: clinical testing. Allele origin: germline. Affected: yes.
Comment: Not observed at significant frequency in large population cohorts (gnomAD); In silico analysis supports that this missense variant does not alter protein structure/function; Has not been previously published as pathogenic or benign to our knowledge